The following is an entry in ClinVar:

NM_001077350.3(NPRL3):c.1278C>T (p.Asp426=)

Genes: HBA-LCR (alpha-globin locus control region; plus strand), NPRL3 (NPR3 like, GATOR1 complex subunit; minus strand). Cytogenetic location: 16p13.3.
Variant type: single nucleotide variant.
Coding change: c.1278C>T on transcript NM_001077350.3 (MANE Select); coding-DNA position 1278, C replaced by T.
Protein change: p.Asp426=; no amino-acid change (aspartic acid 426 retained).
Molecular consequence: synonymous variant.
Genome position (GRCh38, 1-based): chr16:89,786, G>A on the plus strand (C>T on the coding strand, the complement: NPRL3 is on the minus strand). VCF-style: chr16-89786-G-A. GRCh37 (hg19) VCF-style: chr16-139784-G-A.
Other names: c.741C>T, p.Asp247= (NM_001039476.3); c.1044C>T, p.Asp348= (NM_001243247.2); c.1203C>T, p.Asp401= (NM_001243248.2, NM_001243249.2).
Identifiers: ClinVar variation 715165 (VCV000715165.14), dbSNP rs74712570, ClinGen allele CA7769390.

ClinVar aggregate classification (germline): Likely benign. Review status: criteria provided, multiple submitters, no conflicts (2 of 4 stars). 4 submissions from 4 submitters: Likely benign (3). 1 of the submissions does not count toward it. Last evaluated 2026-01-15.

Conditions:
Epilepsy, familial focal, with variable foci 3 (FFEVF3). Identifiers: MedGen C4310708, MONDO:0014925, OMIM 617118.
NPRL3-related disorder. Also called: NPRL3-related condition.

Allele frequency attached by ClinVar (database versions not stated): TOPMed 0.00015.

Submissions (4):

Labcorp Genetics (formerly Invitae), Labcorp
Classification: Likely benign for Epilepsy, familial focal, with variable foci 3. Last evaluated: 2026-01-15. Review status: criteria provided, single submitter. Criteria: Invitae Variant Classification Sherloc (09022015). Collection method: clinical testing. Allele origin: germline.

Blueprint Genetics
Classification: Likely benign. Last evaluated: 2024-07-01. Review status: criteria provided, single submitter. Criteria: ACMG Guidelines, 2015. Collection method: clinical testing. Allele origin: germline.

Breakthrough Genomics
Classification: Likely benign. Review status: criteria provided, single submitter. Criteria: ACMG Guidelines, 2015. Collection method: not provided. Allele origin: germline. Inheritance: Autosomal dominant inheritance. Affected: yes.

PreventionGenetics, part of Exact Sciences
Classification: Likely benign for NPRL3-related condition. Last evaluated: 2019-03-20. Review status: no assertion criteria provided. Collection method: clinical testing. Allele origin: germline. Not counted in ClinVar's aggregate classification.
Comment: This variant is classified as likely benign based on ACMG/AMP sequence variant interpretation guidelines (Richards et al. 2015 PMID: 25741868, with internal and published modifications).